The following is an entry in ClinVar:

ClinVar aggregate classification (germline): Uncertain significance. Review status: criteria provided, multiple submitters, no conflicts (2 of 4 stars). 2 submissions from 2 submitters: Uncertain significance (2). Last evaluated 2025-10-30.

Conditions:
Hereditary cancer-predisposing syndrome. Also called: Tumor predisposition; Hereditary Cancer Syndrome; Hereditary neoplastic syndrome; Neoplastic Syndromes, Hereditary. Identifiers: Orphanet 140162, MedGen C0027672, MeSH D009386, MONDO:0015356.

Allele frequency attached by ClinVar (database versions not stated): gnomAD 0.00001.
gnomAD v4.1: 1 of 1,611,728 alleles (0.000062%); highest among the groups gnomAD compares: African/African-American, 0.0013%; no homozygotes.

Submissions (2):

Ambry Genetics
Classification: Uncertain significance for Hereditary cancer-predisposing syndrome. Last evaluated: 2025-10-30. Review status: criteria provided, single submitter. Criteria: Ambry Variant Classification Scheme 2023. Collection method: clinical testing. Allele origin: germline.
Comment: The p.L1536F variant (also known as c.4606C>T), located in coding exon 36 of the POLE gene, results from a C to T substitution at nucleotide position 4606. The leucine at codon 1536 is replaced by phenylalanine, an amino acid with highly similar properties. This amino acid position is conserved. In addition, this alteration is predicted to be tolerated by in silico analysis. Since supporting evidence is limited at this time, the clinical significance of this alteration remains unclear.

Labcorp Genetics (formerly Invitae), Labcorp
Classification: Uncertain significance. Last evaluated: 2021-09-10. Review status: criteria provided, single submitter. Criteria: Invitae Variant Classification Sherloc (09022015). Collection method: clinical testing. Allele origin: germline.
Comment: This sequence change replaces leucine with phenylalanine at codon 1536 of the POLE protein (p.Leu1536Phe). The leucine residue is weakly conserved and there is a small physicochemical difference between leucine and phenylalanine. This variant is not present in population databases (ExAC no frequency). This variant has not been reported in the literature in individuals affected with POLE-related conditions. Algorithms developed to predict the effect of missense changes on protein structure and function (SIFT, PolyPhen-2, Align-GVGD) all suggest that this variant is likely to be tolerated. In summary, the available evidence is currently insufficient to determine the role of this variant in disease. Therefore, it has been classified as a Variant of Uncertain Significance.

NM_006231.4(POLE):c.4606C>T (p.Leu1536Phe)

Gene: POLE (DNA polymerase epsilon, catalytic subunit; minus strand). Cytogenetic location: 12q24.33.
Variant type: single nucleotide variant.
Coding change: c.4606C>T on transcript NM_006231.4 (MANE Select); coding-DNA position 4606, C replaced by T.
Protein change: p.Leu1536Phe; replaces leucine 1536 with phenylalanine.
Molecular consequence: missense variant.
Genome position (GRCh38, 1-based): chr12:132,642,942, G>A on the plus strand (C>T on the coding strand, the complement: POLE is on the minus strand). VCF-style: chr12-132642942-G-A. GRCh37 (hg19) VCF-style: chr12-133219528-G-A.
Other names: short protein forms L1536F.
Identifiers: ClinVar variation 1466789 (VCV001466789.9), dbSNP rs1393837668, ClinGen allele CA387379190.
Genomic context (GRCh38, chr12:132,642,942, plus strand): 5'-GAACTTCGAAGGTGTGTTTGGGGGGTGGCAGGAGCTCAGGGCCCACCTTCTCCAGGAGGA[G>A]GCCGTGCTCTGCTGAGTACAGGGCGCCAAGGCTGGGCATCTGGTTGCTGCGCACCTAGAC-3'
Protein context (NP_006222.2, residues 1526-1546): LGALYSAEHG[Leu1536Phe]LLEKVGPELL